The following is an entry in ClinVar:

NM_024577.4(SH3TC2):c.880A>T (p.Ser294Cys)

Gene: SH3TC2 (SH3 domain and tetratricopeptide repeats 2; minus strand). Cytogenetic location: 5q32.
Variant type: single nucleotide variant.
Coding change: c.880A>T on transcript NM_024577.4 (MANE Select); coding-DNA position 880, A replaced by T.
Protein change: p.Ser294Cys; replaces serine 294 with cysteine.
Molecular consequence: missense variant.
Genome position (GRCh38, 1-based): chr5:149,038,416, T>A on the plus strand (A>T on the coding strand, the complement: SH3TC2 is on the minus strand). VCF-style: chr5-149038416-T-A. GRCh37 (hg19) VCF-style: chr5-148417979-T-A.
Other names: short protein forms S294C.
Identifiers: ClinVar variation 1478407 (VCV001478407.8), dbSNP rs748663288, ClinGen allele CA361672893.

ClinVar aggregate classification (germline): Uncertain significance (1 of 4 stars; one submission).

Conditions:
Charcot-Marie-Tooth disease type 4. Also called: Charcot-Marie-Tooth, Type 4; Charcot-Marie-Tooth disease, type IV. Identifiers: Orphanet 64749, MedGen C4082197, MONDO:0018995.

Allele frequency attached by ClinVar (database versions not stated): gnomAD 0.00001.
gnomAD v4.1: 1 of 1,614,082 alleles (0.000062%); highest among the groups gnomAD compares: Admixed American, 0.0017%; no homozygotes.

Submission:

Labcorp Genetics (formerly Invitae), Labcorp
Classification: Uncertain significance for Charcot-Marie-Tooth disease type 4. Last evaluated: 2021-04-23. Review status: criteria provided, single submitter. Criteria: Invitae Variant Classification Sherloc (09022015). Collection method: clinical testing. Allele origin: germline.
Comment: Advanced modeling of protein sequence and biophysical properties (such as structural, functional, and spatial information, amino acid conservation, physicochemical variation, residue mobility, and thermodynamic stability) performed at Invitae indicates that this missense variant is not expected to disrupt SH3TC2 protein function. In summary, the available evidence is currently insufficient to determine the role of this variant in disease. Therefore, it has been classified as a Variant of Uncertain Significance. This variant has not been reported in the literature in individuals with SH3TC2-related conditions. This variant is not present in population databases (ExAC no frequency). This sequence change replaces serine with cysteine at codon 294 of the SH3TC2 protein (p.Ser294Cys). The serine residue is moderately conserved and there is a moderate physicochemical difference between serine and cysteine.